The following is an entry in ClinVar:

GRCh37/hg19 10q22.3-23.2(chr10:81617260-89146780)x1

Genes: BMPR1A (bone morphogenetic protein receptor type 1A; plus strand), CCSER2 (coiled-coil serine rich protein 2; plus strand), CDHR1 (cadherin related family member 1; plus strand), DYDC1 (DPY30 domain containing 1; minus strand), DYDC2 (DPY30 domain containing 2; plus strand) and 30 more. Cytogenetic location: 10q22.3-23.2.
Variant type: copy number loss.
Change: copy number 1 (one copy instead of two) of chr10:81,617,260-89,146,780 (7.53 Mb, GRCh37 coordinates, 1-based), cytogenetic band 10q22.3-23.2.
Identifiers: ClinVar variation 979274 (VCV000979274.3).

ClinVar aggregate classification (germline): Pathogenic (1 of 4 stars; one submission).

Submission:

Quest Diagnostics Nichols Institute San Juan Capistrano
Classification: Pathogenic. Last evaluated: 2024-11-06. Review status: criteria provided, single submitter. Criteria: ACMG/ClinGen CNV Guidelines, 2019. Collection method: clinical testing. Allele origin: unknown.
Comment: This 10q22.3q23.2 loss contains several protein-coding genes and fully overlaps the recurrent 10q22.3q23.2 deletion syndromic region (OMIM 612242, ISCA: 37424) (Coelho Molck 2017, Dincsoy 2022, Petrova 2014, van Bon 2011). Similar deletions of the 10q22.3q23.2 recurrent region have been reported in two individuals (Dahdaleh 2012, Fernandez-Rozadilla 2013, Lecoquierre 2020). There are no similar copy number losses of this region in the general populations of the Database of Genomic Variants. Therefore, based on gene content and current medical literature, this copy number variant (CNV) is classified as pathogenic. References: Coelho Molck et al., Mol Syndromol. 2017 May;8(3):161-167. PMID: 28588438 Dincsoy Bir et al., Mol Syndromol. 2022 May;13(3):254-260. PMID: 35707596 Fernandez-Rozadilla et al., Clin Genet. 2013 Jul;84(1):94-6. PMID: 23057600 Lecoquierre et al., Eur J Med Genet. 2020 Apr;63(4):103773. PMID: 31561016 Petrova et al., Mol Syndromol. 2014 Jan;5(1):19-24. PMID: 24550761 van Bon et al., Eur J Hum Genet. 2011 Apr;19(4):400-8. PMID: 21248748